The following is an entry in ClinVar:

NM_000975.5(RPL11):c.6+3G>A

Genes: RPL11 (ribosomal protein L11; plus strand), LOC129929673 (ATAC-STARR-seq lymphoblastoid active region 374; plus strand). Cytogenetic location: 1p36.11.
Variant type: single nucleotide variant.
Coding change: c.6+3G>A on transcript NM_000975.5 (MANE Select); 3 bases into the intron after coding-DNA position 6, G replaced by A.
Molecular consequence: intron variant.
Genome position (GRCh38, 1-based): chr1:23,691,832, G>A. VCF-style: chr1-23691832-G-A. GRCh37 (hg19) VCF-style: chr1-24018322-G-A.
Other names: c.6+3G>A (NM_001199802.1).
Identifiers: ClinVar variation 2739493 (VCV002739493.3), dbSNP rs776630838, ClinGen allele CA684111.

ClinVar aggregate classification (germline): Uncertain significance (1 of 4 stars; one submission).

Conditions:
Diamond-Blackfan anemia. Also called: Blackfan Diamond syndrome; Aregenerative anemia chronic congenital; Red cell aplasia, pure hereditary; Congenital hypoplastic anemia; Aase syndrome. Identifiers: Orphanet 124, MedGen C1260899, MeSH D029503, MONDO:0015253, HP:0004810.

Allele frequency attached by ClinVar (database versions not stated): gnomAD exomes below 0.00001; ExAC 0.00001.
gnomAD v4.1: 2 of 1,614,262 alleles (0.00012%); highest among the groups gnomAD compares: Admixed American, 0.0017%; no homozygotes.

Submission:

Labcorp Genetics (formerly Invitae), Labcorp
Classification: Uncertain significance for Diamond-Blackfan anemia. Last evaluated: 2023-11-19. Review status: criteria provided, single submitter. Criteria: Invitae Variant Classification Sherloc (09022015). Collection method: clinical testing. Allele origin: germline.
Comment: This sequence change falls in intron 1 of the RPL11 gene. It does not directly change the encoded amino acid sequence of the RPL11 protein. It affects a nucleotide within the consensus splice site. This variant is present in population databases (rs776630838, gnomAD no frequency). This variant has not been reported in the literature in individuals affected with RPL11-related conditions. Variants that disrupt the consensus splice site are a relatively common cause of aberrant splicing (PMID: 17576681, 9536098). Algorithms developed to predict the effect of sequence changes on RNA splicing suggest that this variant is not likely to affect RNA splicing. In summary, the available evidence is currently insufficient to determine the role of this variant in disease. Therefore, it has been classified as a Variant of Uncertain Significance.

Literature cited by the submitters: PubMed 17576681; PubMed 9536098.